The following is an entry in ClinVar:

NM_007209.4(RPL35):c.148G>A (p.Val50Ile)

Gene: RPL35 (ribosomal protein L35; minus strand). Cytogenetic location: 9q33.3.
Variant type: single nucleotide variant.
Coding change: c.148G>A on transcript NM_007209.4 (MANE Select); coding-DNA position 148, G replaced by A.
Protein change: p.Val50Ile; replaces valine 50 with isoleucine.
Molecular consequence: missense variant.
Genome position (GRCh38, 1-based): chr9:124,860,257, C>T on the plus strand (G>A on the coding strand, the complement: RPL35 is on the minus strand). VCF-style: chr9-124860257-C-T. GRCh37 (hg19) VCF-style: chr9-127622536-C-T.
Other names: short protein forms V50I.
Identifiers: ClinVar variation 4751029 (VCV004751029.1).

ClinVar aggregate classification (germline): Uncertain significance (1 of 4 stars; one submission).

gnomAD v4.1: 8 of 1,613,620 alleles (0.0005%); highest among the groups gnomAD compares: South Asian, 0.0033%; no homozygotes.

Submission:

Labcorp Genetics (formerly Invitae), Labcorp
Classification: Uncertain significance. Last evaluated: 2025-11-23. Review status: criteria provided, single submitter. Criteria: Invitae Variant Classification Sherloc (09022015). Collection method: clinical testing. Allele origin: germline.
Comment: This sequence change replaces valine, which is neutral and non-polar, with isoleucine, which is neutral and non-polar, at codon 50 of the RPL35 protein (p.Val50Ile). This variant is present in population databases (rs370273813, gnomAD 0.006%). This variant has not been reported in the literature in individuals affected with RPL35-related conditions. An algorithm developed to predict the effect of missense changes on protein structure and function (PolyPhen-2) suggests that this variant is likely to be tolerated. In summary, the available evidence is currently insufficient to determine the role of this variant in disease. Therefore, it has been classified as a Variant of Uncertain Significance.